The following is an entry in ClinVar:

NM_000330.4(RS1):c.426T>C (p.Cys142=)

Genes: CDKL5 (cyclin dependent kinase like 5; plus strand), RS1 (retinoschisin 1; minus strand). Cytogenetic location: Xp22.13.
Variant type: single nucleotide variant.
Coding change: c.426T>C on transcript NM_000330.4 (MANE Select); coding-DNA position 426, T replaced by C.
Protein change: p.Cys142=; no amino-acid change (cysteine 142 retained).
Molecular consequence: synonymous variant. On other transcripts: intron variant (2).
Genome position (GRCh38, 1-based): chrX:18,644,526, A>G on the plus strand (T>C on the coding strand, the complement: RS1 is on the minus strand). VCF-style: chrX-18644526-A-G. GRCh37 (hg19) VCF-style: chrX-18662646-A-G.
Other names: NM_000330.4(RS1):c.426T>C; p.Cys142=; c.2714-1481A>G (NM_003159.3, NM_001037343.2).
Identifiers: ClinVar variation 98961 (VCV000098961.4), dbSNP rs1800001, ClinGen allele CA226732.

ClinVar aggregate classification (germline): Likely benign. Review status: reviewed by expert panel (3 of 4 stars). 2 submissions from 2 submitters: Likely benign (1). 1 of the submissions does not count toward it. Last evaluated 2025-05-19.

Conditions:
Juvenile retinoschisis (RS1). Also called: X-Linked Juvenile Retinoschisis; X-linked retinoschisis. Identifiers: Orphanet 792, MedGen C3714753, MONDO:0010725, OMIM 312700.

Submissions (2):

ClinGen X-linked Inherited Retinal Disease Variant Curation Expert Panel, ClinGen
Classification: Likely benign for Juvenile retinoschisis. Last evaluated: 2025-05-19. Review status: reviewed by expert panel. Criteria: ClinGen X LinkedIRD ACMG Specifications RS1 V1.0.0. Collection method: curation. Allele origin: germline. Inheritance: X-linked inheritance.
Comment: The NM_000330.4(RS1):c.426T>C variant is a synonymous variant at amino acid 142. This variant is absent from hemizygous individuals in gnomAD v4.1.0 (PM2_Supporting). The splicing impact predictor SpliceAI gives a delta score of 0.02 acceptor gain, which is below the ClinGen X- linked IRD VCEP recommended threshold of <0.1 and does not strongly predict an impact on RS1 splicing (BP4). This silent variant c.426T>C causing a synonymous variant at codon 142 does not have an impact at splicing sites according to Splice AI, which predicts a delta score of 0.02 for acceptor gain, which is below the ClinGen X-linked IRD VCEP recommended threshold of <0.2 and does not strongly predict an impact on RS1 splicing (BP7). In summary, this variant is classified as likely benign for X-linked retinoschisis based on the ClinGen X-linked Inherited Retinal Disease Expert Panel Specifications to the ACMG/AMP Variant Interpretation Guidelines for RS1 Version 1.0.0: PM2_supporting, BP4, and BP7 (date of approval 01/24/2025).

Retina International
No classification provided. Review status: no classification provided. Collection method: not provided. Allele origin: unknown. Not counted in ClinVar's aggregate classification.